The following is an entry in ClinVar:

ClinVar aggregate classification (germline): Likely benign. Review status: criteria provided, multiple submitters, no conflicts (2 of 4 stars). 3 submissions from 3 submitters: Likely benign (3). Last evaluated 2026-02-19.

Conditions:
Biotinidase deficiency. Also called: BTD deficiency; Late-onset biotin-responsive multiple carboxylase deficiency; Biotin deficiency. Identifiers: Orphanet 79241, MedGen C0220754, MONDO:0009665, OMIM 253260.
BTD-related disorder. Also called: BTD-related condition.

Allele frequency attached by ClinVar (database versions not stated): gnomAD exomes 0.00024 and 0.00005; 1000 Genomes Project 30x 0.00031; 1000 Genomes Project 0.00040; gnomAD 0.00002 and 0.00009; TOPMed 0.00002; ExAC 0.00007.
gnomAD v4.1: 351 of 1,614,102 alleles (0.022%); highest among the groups gnomAD compares: East Asian, 0.77%; 4 homozygotes.

Submissions (3):

PreventionGenetics, part of Exact Sciences
Classification: Likely benign for BTD-related condition. Last evaluated: 2026-02-19. Review status: criteria provided, single submitter. Criteria: ACMG Guidelines, 2015. Collection method: clinical testing. Allele origin: germline.
Comment: This variant is classified as likely benign based on ACMG/AMP sequence variant interpretation guidelines (Richards et al. 2015 PMID: 25741868, with internal and published modifications).

Labcorp Genetics (formerly Invitae), Labcorp
Classification: Likely benign for Biotinidase deficiency. Last evaluated: 2026-01-28. Review status: criteria provided, single submitter. Criteria: Invitae Variant Classification Sherloc (09022015). Collection method: clinical testing. Allele origin: germline.

Blueprint Genetics
Classification: Likely benign. Last evaluated: 2023-12-19. Review status: criteria provided, single submitter. Criteria: ACMG Guidelines, 2015. Collection method: clinical testing. Allele origin: germline.

NM_001370658.1(BTD):c.972C>T (p.Leu324=)

Gene: BTD (biotinidase; plus strand). Cytogenetic location: 3p25.1.
Variant type: single nucleotide variant.
Coding change: c.972C>T on transcript NM_001370658.1 (MANE Select); coding-DNA position 972, C replaced by T.
Protein change: p.Leu324=; no amino-acid change (leucine 324 retained).
Molecular consequence: synonymous variant. On other transcripts: intron variant (6).
Genome position (GRCh38, 1-based): chr3:15,644,888, C>T. VCF-style: chr3-15644888-C-T. GRCh37 (hg19) VCF-style: chr3-15686395-C-T.
Other names: c.972C>T, p.Leu324= (NM_001281723.4, NM_001281724.3, NM_001281725.3 and 18 more transcripts); c.399+2831C>T (NM_001370753.1, NM_001407400.1, NM_001407380.1 and 3 more transcripts); c.1032C>T (NM_000060.4).
Identifiers: ClinVar variation 743074 (VCV000743074.14), dbSNP rs117806438, ClinGen allele CA2277410.
Genomic context (GRCh38, chr3:15,644,888, plus strand): 5'-CATGGAAAATCCCAAAAGTCACCTTATAATTGCCCAGGTGGCCAAAAATCCAGTGGGTCT[C>T]ATTGGTGCAGAGAATGCAACAGGTGAAACGGACCCATCCCATAGTAAGTTTTTAAAAATT-3'
Protein context (NP_001357587.1, residues 314-334): IAQVAKNPVG[Leu324=]IGAENATGET